The following is an entry in ClinVar:

NM_032977.4(CASP10):c.752T>C (p.Leu251Pro)

Gene: CASP10 (caspase 10; plus strand). Cytogenetic location: 2q33.1.
Variant type: single nucleotide variant.
Coding change: c.752T>C on transcript NM_032977.4 (MANE Select); coding-DNA position 752, T replaced by C.
Protein change: p.Leu251Pro; replaces leucine 251 with proline.
Molecular consequence: missense variant. On other transcripts: intron variant (4).
Genome position (GRCh38, 1-based): chr2:201,205,912, T>C. VCF-style: chr2-201205912-T-C. GRCh37 (hg19) VCF-style: chr2-202070635-T-C.
Other names: c.752T>C, p.Leu251Pro (NM_032974.5); c.685-2163T>C (NM_001206542.2, NM_001230.5); c.721+2146T>C (NM_032976.4, NM_001206524.2); short protein forms L251P.
Identifiers: ClinVar variation 2117662 (VCV002117662.4), dbSNP rs1182459914, ClinGen allele CA350283909.
Genomic context (GRCh38, chr2:201,205,912, plus strand): 5'-TATTTGGAGTCTGAGTACCTCTCTTTCTAGGTAACAGAGCCACAAATGGTGCACCAAGCC[T>C]GGTCTCCAGGGGGATGCAAGGAGCATCTGCTAACACTCTAAACTCTGAAACCAGCACAAA-3'
Protein context (NP_116759.2, residues 241-261): GNRATNGAPS[Leu251Pro]VSRGMQGASA

ClinVar aggregate classification (germline): Uncertain significance (1 of 4 stars; one submission).

Conditions:
Autoimmune lymphoproliferative syndrome type 2A (ALPS2A). Also called: CASP10-Related Autoimmune Lymphoproliferative Syndrome; AUTOIMMUNE LYMPHOPROLIFERATIVE SYNDROME, TYPE IIA; Autoimmune lymphoproliferative syndrome type 2. Identifiers: Orphanet 3261, MedGen C1858968, MONDO:0011383, OMIM 603909.

Allele frequency attached by ClinVar (database versions not stated): gnomAD exomes below 0.00001.
gnomAD v4.1: 1 of 1,613,126 alleles (0.000062%); highest among the groups gnomAD compares: African/African-American, 0.0013%; no homozygotes.

Submission:

Labcorp Genetics (formerly Invitae), Labcorp
Classification: Uncertain significance for Autoimmune lymphoproliferative syndrome type 2A. Last evaluated: 2022-03-31. Review status: criteria provided, single submitter. Criteria: Invitae Variant Classification Sherloc (09022015). Collection method: clinical testing. Allele origin: germline.
Comment: This sequence change replaces leucine, which is neutral and non-polar, with proline, which is neutral and non-polar, at codon 251 of the CASP10 protein (p.Leu251Pro). This variant is not present in population databases (gnomAD no frequency). This variant has not been reported in the literature in individuals affected with CASP10-related conditions. Algorithms developed to predict the effect of missense changes on protein structure and function output the following: SIFT: "Deleterious"; PolyPhen-2: "Benign"; Align-GVGD: "Class C0". The proline amino acid residue is found in multiple mammalian species, which suggests that this missense change does not adversely affect protein function. In summary, the available evidence is currently insufficient to determine the role of this variant in disease. Therefore, it has been classified as a Variant of Uncertain Significance.